The following is an entry in ClinVar:

NM_001348716.2(KDM6B):c.2706A>G (p.Leu902=)

Gene: KDM6B (lysine demethylase 6B; plus strand). Cytogenetic location: 17p13.1.
Variant type: single nucleotide variant.
Coding change: c.2706A>G on transcript NM_001348716.2 (MANE Select); coding-DNA position 2706, A replaced by G.
Protein change: p.Leu902=; no amino-acid change (leucine 902 retained).
Molecular consequence: synonymous variant.
Genome position (GRCh38, 1-based): chr17:7,848,994, A>G. VCF-style: chr17-7848994-A-G. GRCh37 (hg19) VCF-style: chr17-7752312-A-G.
Other names: c.2706A>G, p.Leu902= (NM_001080424.2).
Identifiers: ClinVar variation 5038901 (VCV005038901.1).

ClinVar aggregate classification (germline): Likely benign (1 of 4 stars; one submission).

gnomAD v4.1: 65 of 1,544,498 alleles (0.0042%); highest among the groups gnomAD compares: African/African-American, 0.041%; no homozygotes.

Submission:

CeGaT Center for Human Genetics Tuebingen
Classification: Likely benign. Last evaluated: 2026-07-01. Review status: criteria provided, single submitter. Criteria: CeGaT Center For Human Genetics Tuebingen Variant Classification Criteria Version 2. Collection method: clinical testing. Allele origin: germline. Affected: yes. Observed: 1 variant allele.
Comment: KDM6B: BP4, BP7